The following is an entry in ClinVar:

ClinVar aggregate classification (germline): Uncertain significance (1 of 4 stars; one submission).

gnomAD v4.1: 1 of 1,613,836 alleles (0.000062%); highest among the groups gnomAD compares: South Asian, 0.0011%; no homozygotes.

Submission:

Labcorp Genetics (formerly Invitae), Labcorp
Classification: Uncertain significance. Last evaluated: 2024-02-24. Review status: criteria provided, single submitter. Criteria: Invitae Variant Classification Sherloc (09022015). Collection method: clinical testing. Allele origin: germline.
Comment: This sequence change replaces arginine, which is basic and polar, with leucine, which is neutral and non-polar, at codon 85 of the OPA1 protein (p.Arg85Leu). This variant is not present in population databases (gnomAD no frequency). This variant has not been reported in the literature in individuals affected with OPA1-related conditions. ClinVar contains an entry for this variant (Variation ID: 1419091). Advanced modeling of protein sequence and biophysical properties (such as structural, functional, and spatial information, amino acid conservation, physicochemical variation, residue mobility, and thermodynamic stability) performed at Invitae indicates that this missense variant is not expected to disrupt OPA1 protein function with a negative predictive value of 80%. In summary, the available evidence is currently insufficient to determine the role of this variant in disease. Therefore, it has been classified as a Variant of Uncertain Significance.

NM_130837.3(OPA1):c.254G>T (p.Arg85Leu)

Gene: OPA1 (OPA1 mitochondrial dynamin like GTPase; plus strand). Cytogenetic location: 3q29.
Variant type: single nucleotide variant.
Coding change: c.254G>T on transcript NM_130837.3 (MANE Select); coding-DNA position 254, G replaced by T.
Protein change: p.Arg85Leu; replaces arginine 85 with leucine.
Molecular consequence: missense variant. On other transcripts: 5 prime UTR variant (2).
Genome position (GRCh38, 1-based): chr3:193,614,944, G>T. VCF-style: chr3-193614944-G-T. GRCh37 (hg19) VCF-style: chr3-193332733-G-T.
Other names: c.-119G>T (NM_001354663.2, NM_001354664.2); c.254G>T, p.Arg85Leu (NM_015560.3, NM_130831.3, NM_130832.3 and 4 more transcripts); short protein forms R85L.
Identifiers: ClinVar variation 1419091 (VCV001419091.8), dbSNP rs35630194, ClinGen allele CA355786823.